The following is an entry in ClinVar:

ClinVar aggregate classification (germline): Uncertain significance (1 of 4 stars; one submission).

Conditions:
Granulomatous disease, chronic, autosomal recessive, cytochrome b-positive, type 3. Also called: GRANULOMATOUS DISEASE, CHRONIC, AUTOSOMAL RECESSIVE, 3; GRANULOMATOUS DISEASE, CHRONIC, DUE TO NCF4 DEFICIENCY; Granulomatous disease, chronic, autosomal recessive, cytochrome b-positive, type III; CGD, AUTOSOMAL RECESSIVE CYTOCHROME b-POSITIVE, TYPE III. Identifiers: Orphanet 379, MedGen C3151409, MONDO:0013507, OMIM 613960.

gnomAD v4.1: 1 of 1,614,128 alleles (0.000062%); highest among the groups gnomAD compares: Non-Finnish European, 0.000085%; no homozygotes.

Submission:

Labcorp Genetics (formerly Invitae), Labcorp
Classification: Uncertain significance for Granulomatous disease, chronic, autosomal recessive, cytochrome b-positive, type 3. Last evaluated: 2022-08-12. Review status: criteria provided, single submitter. Criteria: Invitae Variant Classification Sherloc (09022015). Collection method: clinical testing. Allele origin: germline.
Comment: In summary, the available evidence is currently insufficient to determine the role of this variant in disease. Therefore, it has been classified as a Variant of Uncertain Significance. Algorithms developed to predict the effect of missense changes on protein structure and function are either unavailable or do not agree on the potential impact of this missense change (SIFT: "Deleterious"; PolyPhen-2: "Possibly Damaging"; Align-GVGD: "Class C0"). This variant has not been reported in the literature in individuals affected with NCF4-related conditions. This variant is not present in population databases (gnomAD no frequency). This sequence change replaces proline, which is neutral and non-polar, with serine, which is neutral and polar, at codon 313 of the NCF4 protein (p.Pro313Ser).

NM_000631.5(NCF4):c.759-67C>T

Gene: NCF4 (neutrophil cytosolic factor 4; plus strand). Cytogenetic location: 22q12.3.
Variant type: single nucleotide variant.
Coding change: c.759-67C>T on transcript NM_000631.5 (MANE Select); 67 bases into the intron before coding-DNA position 759, C replaced by T.
Molecular consequence: intron variant. On other transcripts: missense variant (1).
Genome position (GRCh38, 1-based): chr22:36,875,962, C>T. VCF-style: chr22-36875962-C-T. GRCh37 (hg19) VCF-style: chr22-37272004-C-T.
Other names: c.937C>T, p.Pro313Ser (NM_013416.4); short protein forms P313S.
Identifiers: ClinVar variation 1716220 (VCV001716220.6), dbSNP rs2517929450, ClinGen allele CA411390013.